The following is an entry in ClinVar:

ClinVar aggregate classification (germline): Conflicting classifications of pathogenicity. Review status: criteria provided, conflicting classifications (1 of 4 stars). 4 submissions from 4 submitters: Uncertain significance (1); Likely benign (2). 1 of the submissions does not count toward it. Last evaluated 2025-11-18.

Conditions:
AEBP1-related disorder. Also called: AEBP1-related condition.

Allele frequency attached by ClinVar (database versions not stated): ExAC 0.00026; ESP Exome Variant Server 0.00039; TOPMed 0.00069; 1000 Genomes Project 30x 0.00078; 1000 Genomes Project 0.00080.
gnomAD v4.1: 170 of 1,589,190 alleles (0.011%); highest among the groups gnomAD compares: African/African-American, 0.2%; no homozygotes.

Submissions (4):

Labcorp Genetics (formerly Invitae), Labcorp
Classification: Likely benign. Last evaluated: 2025-11-18. Review status: criteria provided, single submitter. Criteria: Invitae Variant Classification Sherloc (09022015). Collection method: clinical testing. Allele origin: germline.

Mayo Clinic Laboratories, Mayo Clinic
Classification: Likely benign. Last evaluated: 2025-10-20. Review status: criteria provided, single submitter. Criteria: ACMG Guidelines, 2015. Collection method: clinical testing. Allele origin: germline. Observed: 1 variant allele.
Comment: BS1

GeneDx
Classification: Uncertain significance. Last evaluated: 2024-06-10. Review status: criteria provided, single submitter. Criteria: GeneDx Variant Classification Process June 2021. Collection method: clinical testing. Allele origin: germline. Affected: yes.
Comment: In silico analysis indicates that this missense variant does not alter protein structure/function; Has not been previously published as pathogenic or benign to our knowledge

PreventionGenetics, part of Exact Sciences
Classification: Likely benign for AEBP1-related condition. Last evaluated: 2023-08-09. Review status: no assertion criteria provided. Collection method: clinical testing. Allele origin: germline. Not counted in ClinVar's aggregate classification.
Comment: This variant is classified as likely benign based on ACMG/AMP sequence variant interpretation guidelines (Richards et al. 2015 PMID: 25741868, with internal and published modifications).

NM_001129.5(AEBP1):c.574G>A (p.Glu192Lys)

Gene: AEBP1 (AE binding protein 1; plus strand). Cytogenetic location: 7p13.
Variant type: single nucleotide variant.
Coding change: c.574G>A on transcript NM_001129.5 (MANE Select); coding-DNA position 574, G replaced by A.
Protein change: p.Glu192Lys; replaces glutamic acid 192 with lysine.
Molecular consequence: missense variant.
Genome position (GRCh38, 1-based): chr7:44,106,866, G>A. VCF-style: chr7-44106866-G-A. GRCh37 (hg19) VCF-style: chr7-44146465-G-A.
Other names: p.Glu192Lys; c.574G>A (NM_001129.4); short protein forms E192K.
Identifiers: ClinVar variation 2155173 (VCV002155173.8), dbSNP rs368973524, ClinGen allele CA4237508.